The following is an entry in ClinVar:

NM_138773.4(SLC25A46):c.462+106T>C

Gene: SLC25A46 (solute carrier family 25 member 46; plus strand). Cytogenetic location: 5q22.1.
Variant type: single nucleotide variant.
Coding change: c.462+106T>C on transcript NM_138773.4 (MANE Select); 106 bases into the intron after coding-DNA position 462, T replaced by C.
Molecular consequence: intron variant.
Genome position (GRCh38, 1-based): chr5:110,746,452, T>C. VCF-style: chr5-110746452-T-C. GRCh37 (hg19) VCF-style: chr5-110082153-T-C.
Other names: c.189+106T>C (NM_001303250.3); c.462+106T>C (NM_001303249.3).
Identifiers: ClinVar variation 672911 (VCV000672911.1), dbSNP rs76877641, ClinGen allele CA12059990.

ClinVar aggregate classification (germline): Benign (1 of 4 stars; one submission).

Allele frequency attached by ClinVar (database versions not stated): 1000 Genomes Project 30x 0.05231; 1000 Genomes Project 0.05312; gnomAD 0.10013 and 0.10350; TOPMed 0.10272; gnomAD exomes 0.12143.
gnomAD v4.1: 82,201 of 700,480 alleles (12%); highest among the groups gnomAD compares: Non-Finnish European, 15%; 5,868 homozygotes.

Submission:

GeneDx
Classification: Benign. Last evaluated: 2018-06-14. Review status: criteria provided, single submitter. Criteria: GeneDx Variant Classification (06012015). Collection method: clinical testing. Allele origin: germline. Affected: yes.
Comment: This variant is considered likely benign or benign based on one or more of the following criteria: it is a conservative change, it occurs at a poorly conserved position in the protein, it is predicted to be benign by multiple in silico algorithms, and/or has population frequency not consistent with disease.